The following is an entry in ClinVar:

ClinVar aggregate classification (germline): Pathogenic. Review status: criteria provided, single submitter (1 of 4 stars). 2 submissions from 2 submitters: Pathogenic (1). 1 of the submissions does not count toward it. Last evaluated 2022-07-12.

Conditions:
Usher syndrome type 2. Also called: Usher Syndrome Type II. Identifiers: Orphanet 231178, MedGen C0339534, MONDO:0016484.

Submissions (2):

Labcorp Genetics (formerly Invitae), Labcorp
Classification: Pathogenic. Last evaluated: 2022-07-12. Review status: criteria provided, single submitter. Criteria: Invitae Variant Classification Sherloc (09022015). Collection method: clinical testing. Allele origin: germline.
Comment: This sequence change creates a premature translational stop signal (p.Asp4105Serfs*7) in the USH2A gene. It is expected to result in an absent or disrupted protein product. Loss-of-function variants in USH2A are known to be pathogenic (PMID: 10729113, 10909849, 20507924, 25649381). This variant is not present in population databases (gnomAD no frequency). This variant has not been reported in the literature in individuals affected with USH2A-related conditions. For these reasons, this variant has been classified as Pathogenic.

Ophthalmo-Genetics Lab, Instituto de Oftalmologia Conde de Valenciana
Classification: Pathogenic for Usher syndrome type 2. Last evaluated: 2022-11-14. Review status: no assertion criteria provided. Collection method: clinical testing. Allele origin: germline. Inheritance: Autosomal recessive inheritance. Affected: yes. Observed: 1 compound heterozygote. Not counted in ClinVar's aggregate classification.
Comment: Novel pathogenic variant. PP4 (manual), PVS1, PM2.

Literature cited by the submitters: PubMed 10729113 (cited by Labcorp Genetics (formerly Invitae), Labcorp); PubMed 10909849 (cited by Labcorp Genetics (formerly Invitae), Labcorp); PubMed 20507924 (cited by Labcorp Genetics (formerly Invitae), Labcorp); PubMed 25649381 (cited by Labcorp Genetics (formerly Invitae), Labcorp); PubMed 35076463 (cited by Ophthalmo-Genetics Lab, Instituto de Oftalmologia Conde de Valenciana).

NM_206933.4(USH2A):c.12313_12319del (p.Asp4105fs)

Gene: USH2A (usherin; minus strand). Cytogenetic location: 1q41.
Variant type: Deletion.
Coding change: c.12313_12319del on transcript NM_206933.4 (MANE Select); coding-DNA positions 12313 to 12319, 7 bases deleted (GACGGGT; older notation c.12313_12319delGACGGGT).
Protein change: p.Asp4105fs; shifts the reading frame from aspartic acid 4105.
Molecular consequence: frameshift variant.
Genome position (GRCh38, 1-based): chr1:215,675,592-215,675,598, ACCCGTC deleted on the plus strand (GACGGGT on the coding strand, the reverse complement: USH2A is on the minus strand); deleting any 7 consecutive bases within chr1:215,675,592-215,675,600 gives the same sequence; the c. name uses the placement nearest the transcript's 3' end. VCF-style (leftmost placement, unchanged base first): chr1-215675591-AACCCGTC-A. GRCh37 (hg19) VCF-style: chr1-215848933-AACCCGTC-A.
Other names: short protein forms D4105fs.
Identifiers: ClinVar variation 1723462 (VCV001723462.6), dbSNP rs2464901141, ClinGen allele CA2580062348.